The following is an entry in ClinVar:

ClinVar aggregate classification (germline): Uncertain significance (1 of 4 stars; one submission).

Conditions:
Autosomal dominant childhood-onset proximal spinal muscular atrophy with contractures (SMALED2A). Also called: Spinal muscular atrophy, lower extremity-predominant, 2A, autosomal dominant; SPINAL MUSCULAR ATROPHY, LOWER EXTREMITY-PREDOMINANT, 2A, CHILDHOOD ONSET, AUTOSOMAL DOMINANT. Identifiers: Orphanet 363447, Orphanet 363454, MedGen C4747715, MONDO:0014121, OMIM 615290.

Allele frequency attached by ClinVar (database versions not stated): gnomAD exomes below 0.00001; ExAC 0.00001; gnomAD 0.00001; TOPMed 0.00001; ESP Exome Variant Server 0.00008.
gnomAD v4.1: 4 of 1,613,862 alleles (0.00025%); highest among the groups gnomAD compares: African/African-American, 0.0013%; no homozygotes.

Submission:

Labcorp Genetics (formerly Invitae), Labcorp
Classification: Uncertain significance for Autosomal dominant childhood-onset proximal spinal muscular atrophy with contractures. Last evaluated: 2025-06-04. Review status: criteria provided, single submitter. Criteria: Invitae Variant Classification Sherloc (09022015). Collection method: clinical testing. Allele origin: germline.
Comment: This sequence change replaces serine, which is neutral and polar, with arginine, which is basic and polar, at codon 395 of the BICD2 protein (p.Ser395Arg). This variant is present in population databases (rs373861721, gnomAD 0.007%). This variant has not been reported in the literature in individuals affected with BICD2-related conditions. ClinVar contains an entry for this variant (Variation ID: 2200258). Invitae Evidence Modeling of protein sequence and biophysical properties (such as structural, functional, and spatial information, amino acid conservation, physicochemical variation, residue mobility, and thermodynamic stability) indicates that this missense variant is not expected to disrupt BICD2 protein function with a negative predictive value of 80%. In summary, the available evidence is currently insufficient to determine the role of this variant in disease. Therefore, it has been classified as a Variant of Uncertain Significance.

NM_001003800.2(BICD2):c.1185T>A (p.Ser395Arg)

Gene: BICD2 (BICD cargo adaptor 2; minus strand). Cytogenetic location: 9q22.31.
Variant type: single nucleotide variant.
Coding change: c.1185T>A on transcript NM_001003800.2 (MANE Select); coding-DNA position 1185, T replaced by A.
Protein change: p.Ser395Arg; replaces serine 395 with arginine.
Molecular consequence: missense variant.
Genome position (GRCh38, 1-based): chr9:92,719,460, A>T on the plus strand (T>A on the coding strand, the complement: BICD2 is on the minus strand). VCF-style: chr9-92719460-A-T. GRCh37 (hg19) VCF-style: chr9-95481742-A-T.
Other names: c.1185T>A, p.Ser395Arg (NM_015250.4); short protein forms S395R.
Identifiers: ClinVar variation 2200258 (VCV002200258.4), dbSNP rs373861721, ClinGen allele CA5126614.